The following is an entry in ClinVar:

ClinVar aggregate classification (germline): Uncertain significance. Review status: criteria provided, multiple submitters, no conflicts (2 of 4 stars). 2 submissions from 2 submitters: Uncertain significance (2). Last evaluated 2025-07-14.

Submissions (2):

Labcorp Genetics (formerly Invitae), Labcorp
Classification: Uncertain significance. Last evaluated: 2025-07-14. Review status: criteria provided, single submitter. Criteria: Invitae Variant Classification Sherloc (09022015). Collection method: clinical testing. Allele origin: germline.
Comment: This sequence change replaces lysine, which is basic and polar, with isoleucine, which is neutral and non-polar, at codon 1411 of the MYH3 protein (p.Lys1411Ile). This variant is present in population databases (rs370587849, gnomAD 0.0009%). This variant has not been reported in the literature in individuals affected with MYH3-related conditions. Invitae Evidence Modeling of protein sequence and biophysical properties (such as structural, functional, and spatial information, amino acid conservation, physicochemical variation, residue mobility, and thermodynamic stability) has been performed for this missense variant. However, the output from this modeling did not meet the statistical confidence thresholds required to predict the impact of this variant on MYH3 protein function. In summary, the available evidence is currently insufficient to determine the role of this variant in disease. Therefore, it has been classified as a Variant of Uncertain Significance.

GeneDx
Classification: Uncertain significance. Last evaluated: 2025-07-11. Review status: criteria provided, single submitter. Criteria: GeneDx Variant Classification Process June 2021. Collection method: clinical testing. Allele origin: germline. Affected: yes.
Comment: Not observed at significant frequency in large population cohorts (gnomAD); In silico analysis supports that this missense variant has a deleterious effect on protein structure/function; Has not been previously published as pathogenic or benign to our knowledge

NM_002470.4(MYH3):c.4232A>T (p.Lys1411Ile)

Gene: MYH3 (myosin heavy chain 3; minus strand). Cytogenetic location: 17p13.1.
Variant type: single nucleotide variant.
Coding change: c.4232A>T on transcript NM_002470.4 (MANE Select); coding-DNA position 4232, A replaced by T.
Protein change: p.Lys1411Ile; replaces lysine 1411 with isoleucine.
Molecular consequence: missense variant.
Genome position (GRCh38, 1-based): chr17:10,634,964, T>A on the plus strand (A>T on the coding strand, the complement: MYH3 is on the minus strand). VCF-style: chr17-10634964-T-A. GRCh37 (hg19) VCF-style: chr17-10538281-T-A.
Other names: short protein forms K1411I.
Identifiers: ClinVar variation 4685059 (VCV004685059.2).